The following is an entry in ClinVar:

NM_001005373.4(LRSAM1):c.1984T>C (p.Ser662Pro)

Gene: LRSAM1 (leucine rich repeat and sterile alpha motif containing 1; plus strand). Cytogenetic location: 9q34.11.
Variant type: single nucleotide variant.
Coding change: c.1984T>C on transcript NM_001005373.4 (MANE Select); coding-DNA position 1984, T replaced by C.
Protein change: p.Ser662Pro; replaces serine 662 with proline.
Molecular consequence: missense variant. On other transcripts: non-coding transcript variant (2).
Genome position (GRCh38, 1-based): chr9:127,501,081, T>C. VCF-style: chr9-127501081-T-C. GRCh37 (hg19) VCF-style: chr9-130263360-T-C.
Other names: c.1984T>C, p.Ser662Pro (NM_001005374.4, NM_001384142.1, NM_138361.5); c.1903T>C, p.Ser635Pro (NM_001190723.3); c.1885T>C, p.Ser629Pro (NM_001384143.1); c.1195T>C, p.Ser399Pro (NM_001384144.1); short protein forms S399P, S629P, S635P, S662P.
Identifiers: ClinVar variation 5040106 (VCV005040106.1).

ClinVar aggregate classification (germline): Uncertain significance (1 of 4 stars; one submission).

gnomAD v4.1: 2 of 1,613,922 alleles (0.00012%); highest among the groups gnomAD compares: Non-Finnish European, 0.00017%; no homozygotes.

Submission:

CeGaT Center for Human Genetics Tuebingen
Classification: Uncertain significance. Last evaluated: 2026-07-01. Review status: criteria provided, single submitter. Criteria: CeGaT Center For Human Genetics Tuebingen Variant Classification Criteria Version 2. Collection method: clinical testing. Allele origin: germline. Affected: yes. Observed: 1 variant allele.
Comment: LRSAM1: PM2